The following is an entry in ClinVar:

ClinVar aggregate classification (germline): Likely benign (0 of 4 stars; one submission).

Conditions:
ADGRG6-related disorder. Also called: ADGRG6-related condition.

gnomAD v4.1: 2 of 1,610,508 alleles (0.00012%); highest among the groups gnomAD compares: Non-Finnish European, 0.00017%; no homozygotes.

Submission:

PreventionGenetics, part of Exact Sciences
Classification: Likely benign for ADGRG6-related condition. Last evaluated: 2019-07-22. Review status: no assertion criteria provided. Collection method: clinical testing. Allele origin: germline.
Comment: This variant is classified as likely benign based on ACMG/AMP sequence variant interpretation guidelines (Richards et al. 2015 PMID: 25741868, with internal and published modifications).

NM_198569.3(ADGRG6):c.3114C>A (p.Ala1038=)

Gene: ADGRG6 (adhesion G protein-coupled receptor G6; plus strand). Cytogenetic location: 6q24.2.
Variant type: single nucleotide variant.
Coding change: c.3114C>A on transcript NM_198569.3 (MANE Select); coding-DNA position 3114, C replaced by A.
Protein change: p.Ala1038=; no amino-acid change (alanine 1038 retained).
Molecular consequence: synonymous variant.
Genome position (GRCh38, 1-based): chr6:142,419,899, C>A. VCF-style: chr6-142419899-C-A. GRCh37 (hg19) VCF-style: chr6-142741036-C-A.
Other names: c.3030C>A, p.Ala1010= (NM_001032394.3, NM_001032395.3); c.3114C>A, p.Ala1038= (NM_020455.6).
Identifiers: ClinVar variation 3049565 (VCV003049565.2), dbSNP rs2483528344, ClinGen allele CA452460559.